The following is an entry in ClinVar:

ClinVar aggregate classification (germline): Uncertain significance. Review status: criteria provided, multiple submitters, no conflicts (2 of 4 stars). 2 submissions from 2 submitters: Uncertain significance (2). Last evaluated 2025-11-23.

Conditions:
Inborn genetic diseases. Identifiers: MedGen C0950123, MeSH D030342.

Allele frequency attached by ClinVar (database versions not stated): TOPMed 0.00002; gnomAD 0.00003; ESP Exome Variant Server 0.00008; gnomAD exomes 0.00002; ExAC 0.00004.
gnomAD v4.1: 41 of 1,609,984 alleles (0.0025%); highest among the groups gnomAD compares: Non-Finnish European, 0.0031%; no homozygotes.

Submissions (2):

Labcorp Genetics (formerly Invitae), Labcorp
Classification: Uncertain significance. Last evaluated: 2025-11-23. Review status: criteria provided, single submitter. Criteria: Invitae Variant Classification Sherloc (09022015). Collection method: clinical testing. Allele origin: germline.
Comment: This sequence change replaces serine, which is neutral and polar, with phenylalanine, which is neutral and non-polar, at codon 20 of the IGF1R protein (p.Ser20Phe). This variant is present in population databases (rs367826969, gnomAD 0.007%). This variant has not been reported in the literature in individuals affected with IGF1R-related conditions. ClinVar contains an entry for this variant (Variation ID: 2547255). An algorithm developed to predict the effect of missense changes on protein structure and function outputs the following: PolyPhen-2: "Benign". The phenylalanine amino acid residue is found in multiple mammalian species, which suggests that this missense change does not adversely affect protein function. In summary, the available evidence is currently insufficient to determine the role of this variant in disease. Therefore, it has been classified as a Variant of Uncertain Significance.

Ambry Genetics
Classification: Uncertain significance for Inborn genetic diseases. Last evaluated: 2023-06-07. Review status: criteria provided, single submitter. Criteria: Ambry Variant Classification Scheme 2023. Collection method: clinical testing. Allele origin: germline.

NM_000875.5(IGF1R):c.59C>T (p.Ser20Phe)

Genes: IGF1R (insulin like growth factor 1 receptor; plus strand), IRAIN (IGF1R antisense imprinted non-protein coding RNA; minus strand). Cytogenetic location: 15q26.3.
Variant type: single nucleotide variant.
Coding change: c.59C>T on transcript NM_000875.5 (MANE Select); coding-DNA position 59, C replaced by T.
Protein change: p.Ser20Phe; replaces serine 20 with phenylalanine.
Molecular consequence: missense variant. On other transcripts: non-coding transcript variant (1).
Genome position (GRCh38, 1-based): chr15:98,649,640, C>T. VCF-style: chr15-98649640-C-T. GRCh37 (hg19) VCF-style: chr15-99192869-C-T.
Other names: c.59C>T, p.Ser20Phe (NM_001291858.2); short protein forms S20F.
Identifiers: ClinVar variation 2547255 (VCV002547255.5), dbSNP rs367826969, ClinGen allele CA7751709.